The following is an entry in ClinVar:

NM_001844.5(COL2A1):c.3490G>A (p.Gly1164Ser)

Gene: COL2A1 (collagen type II alpha 1 chain; minus strand). Cytogenetic location: 12q13.11.
Variant type: single nucleotide variant.
Coding change: c.3490G>A on transcript NM_001844.5 (MANE Select); coding-DNA position 3490, G replaced by A.
Protein change: p.Gly1164Ser; replaces glycine 1164 with serine.
Molecular consequence: missense variant.
Genome position (GRCh38, 1-based): chr12:47,976,070, C>T on the plus strand (G>A on the coding strand, the complement: COL2A1 is on the minus strand). VCF-style: chr12-47976070-C-T. GRCh37 (hg19) VCF-style: chr12-48369853-C-T.
Other names: c.3490G>A (NM_001844.4); c.3283G>A, p.Gly1095Ser (NM_033150.3); short protein forms G1095S, G1164S.
Identifiers: ClinVar variation 1070315 (VCV001070315.12), dbSNP rs2136514646, ClinGen allele CA384537460.

ClinVar aggregate classification (germline): Pathogenic. Review status: criteria provided, multiple submitters, no conflicts (2 of 4 stars). 4 submissions from 4 submitters: Pathogenic (4). Last evaluated 2026-01-22.

Conditions:
COL2A1-related disorder. Also called: COL2A1-related condition; COL2A1-related disorders.
Stickler syndrome type 1 (STL1). Also called: STICKLER SYNDROME, MEMBRANOUS VITREOUS TYPE; STICKLER SYNDROME, VITREOUS TYPE 1; ARTHROOPHTHALMOPATHY, HEREDITARY PROGRESSIVE; COL2A1-Related Stickler Syndrome. Identifiers: Orphanet 828, Orphanet 90653, MedGen C2020284, MONDO:0007160, OMIM 108300.

Submissions (4):

Labcorp Genetics (formerly Invitae), Labcorp
Classification: Pathogenic. Last evaluated: 2026-01-22. Review status: criteria provided, single submitter. Criteria: Invitae Variant Classification Sherloc (09022015). Collection method: clinical testing. Allele origin: germline.
Comment: This sequence change replaces glycine, which is neutral and non-polar, with serine, which is neutral and polar, at codon 1164 of the COL2A1 protein (p.Gly1164Ser). This variant is not present in population databases (gnomAD no frequency). This missense change has been observed in individuals with autosomal dominant spondyloepiphyseal dysplasia congenita and spondyloepimetaphyseal dysplasia, Strudwick type (PMID: 22791362; internal data). ClinVar contains an entry for this variant (Variation ID: 1070315). Experimental studies and prediction algorithms are not available or were not evaluated, and the functional significance of this variant is currently unknown. This variant disrupts the triple helix domain of COL2A1. Glycine residues within the Gly-Xaa-Yaa repeats of the triple helix domain are required for the structure and stability of fibrillar collagens (PMID: 7695699, 8218237, 19344236). In COL2A1, variants affecting these glycine residues are significantly enriched in individuals with disease (PMID: 9016532, 17078022) compared to the general population (ExAC). For these reasons, this variant has been classified as Pathogenic.

3billion
Classification: Pathogenic for COL2A1-related disorder. Last evaluated: 2025-02-13. Review status: criteria provided, single submitter. Criteria: ACMG Guidelines, 2015. Collection method: clinical testing. Allele origin: germline. Affected: yes.
Comment: The variant is not observed in the gnomAD v4.1.0 dataset. Predicted Consequence/Location: The variant is located in a mutational hot spot and/or well-established functional domain in which established pathogenic variants have been reported (PMID: 26626311). In silico tool predictions suggest damaging effect of the variant on gene or gene product [REVEL: 1.00 (>=0.6, sensitivity 0.68 and specificity 0.92); 3Cnet: 0.99 (>=0.6, sensitivity 0.72 and precision 0.9)]. The same nucleotide change resulting in the same amino acid change has been previously reported as pathogenic/likely pathogenic with strong evidence (ClinVar ID: VCV001070315 /PMID: 22791362). Different missense changes at the same codon (p.Gly1164Asp, p.Gly1164Cys) have been reported as pathogenic/likely pathogenic with strong evidence (ClinVar ID: VCV001333360 /PMID: 24476948 /3billion dataset). Therefore, this variant is classified as Pathogenic according to the recommendation of ACMG/AMP guideline.

GeneDx
Classification: Pathogenic. Last evaluated: 2023-05-15. Review status: criteria provided, single submitter. Criteria: GeneDx Variant Classification Process June 2021. Collection method: clinical testing. Allele origin: germline. Affected: yes.
Comment: Identified in a patient with spondyloepimetaphyseal dysplasia Strudwick type in published literature (Terhal et al., 2012); Occurs in the triple helical domain and replaces a glycine in a canonical Gly-X-Y repeat; missense substitution of a canonical glycine residue is expected to disrupt normal protein folding and function, and this is an established mechanism of disease (Jovanovic et al., 2021); Not observed at significant frequency in large population cohorts (gnomAD); In silico analysis supports that this missense variant has a deleterious effect on protein structure/function; This variant is associated with the following publications: (PMID: 34007986, 22791362)

Mendelics
Classification: Pathogenic for Stickler syndrome type 1. Last evaluated: 2022-05-04. Review status: criteria provided, single submitter. Criteria: Mendelics Assertion Criteria 2019. Collection method: clinical testing. Allele origin: germline.

Literature cited by the submitters: PubMed 22791362 (cited by Labcorp Genetics (formerly Invitae), Labcorp and 3billion); PubMed 7695699 (cited by Labcorp Genetics (formerly Invitae), Labcorp); PubMed 8218237 (cited by Labcorp Genetics (formerly Invitae), Labcorp); PubMed 19344236 (cited by Labcorp Genetics (formerly Invitae), Labcorp); PubMed 9016532 (cited by Labcorp Genetics (formerly Invitae), Labcorp); PubMed 17078022 (cited by Labcorp Genetics (formerly Invitae), Labcorp); PubMed 24476948 (cited by 3billion).